The following is an entry in ClinVar:

NM_001042492.3(NF1):c.4311G>A (p.Arg1437=)

Gene: NF1 (neurofibromin 1; plus strand). Cytogenetic location: 17q11.2.
Variant type: single nucleotide variant.
Coding change: c.4311G>A on transcript NM_001042492.3 (MANE Select); coding-DNA position 4311, G replaced by A.
Protein change: p.Arg1437=; no amino-acid change (arginine 1437 retained).
Molecular consequence: synonymous variant.
Genome position (GRCh38, 1-based): chr17:31,258,481, G>A. VCF-style: chr17-31258481-G-A. GRCh37 (hg19) VCF-style: chr17-29585499-G-A.
Other names: c.4248G>A, p.Arg1416= (NM_000267.4).
Identifiers: ClinVar variation 412975 (VCV000412975.15), dbSNP rs1060503896, ClinGen allele CA16615524.

ClinVar aggregate classification (germline): Benign/Likely benign. Review status: criteria provided, multiple submitters, no conflicts (2 of 4 stars). 4 submissions from 4 submitters: Benign (1); Likely benign (2). 1 of the submissions does not count toward it. Last evaluated 2026-05-19.

Conditions:
NF1-related disorder. Also called: NF1-related condition. Identifiers: MedGen CN379171.
Hereditary cancer-predisposing syndrome. Also called: Hereditary Cancer Syndrome; Neoplastic Syndromes, Hereditary; Hereditary neoplastic syndrome; Tumor predisposition. Identifiers: Orphanet 140162, MedGen C0027672, MeSH D009386, MONDO:0015356.
Cardiovascular phenotype. Identifiers: MedGen CN230736.
Neurofibromatosis, type 1 (NF1). Also called: VON RECKLINGHAUSEN DISEASE; NEUROFIBROMATOSIS, TYPE I, SOMATIC; Neurofibromatosis, type I; Peripheral type neurofibromatosis. Identifiers: Orphanet 636, MedGen C0027831, MONDO:0018975, OMIM 162200. Disease mechanism: loss of function.

Allele frequency attached by ClinVar (database versions not stated): gnomAD exomes below 0.00001.
gnomAD v4.1: 1 of 1,613,690 alleles (0.000062%); highest among the groups gnomAD compares: Admixed American, 0.0017%; no homozygotes.

Submissions (4):

Myriad Genetics, Inc.
Classification: Benign for Neurofibromatosis, type 1. Last evaluated: 2026-05-19. Review status: criteria provided, single submitter. Criteria: Myriad Autosomal Dominant, Autosomal Recessive and X-Linked Classification Criteria (2023). Collection method: clinical testing. Allele origin: unknown.
Comment: This variant is considered benign. This variant is a silent/synonymous amino acid change and it is not expected to impact splicing.

Labcorp Genetics (formerly Invitae), Labcorp
Classification: Likely benign for Neurofibromatosis, type 1. Last evaluated: 2024-05-01. Review status: criteria provided, single submitter. Criteria: Invitae Variant Classification Sherloc (09022015). Collection method: clinical testing. Allele origin: germline.

Ambry Genetics
Classification: Likely benign for Cardiovascular phenotype; Hereditary cancer-predisposing syndrome. Last evaluated: 2021-03-17. Review status: criteria provided, single submitter. Criteria: Ambry Variant Classification Scheme 2023. Collection method: clinical testing. Allele origin: germline.

PreventionGenetics, part of Exact Sciences
Classification: Likely benign for NF1-related condition. Last evaluated: 2019-05-01. Review status: no assertion criteria provided. Collection method: clinical testing. Allele origin: germline. Not counted in ClinVar's aggregate classification.
Comment: This variant is classified as likely benign based on ACMG/AMP sequence variant interpretation guidelines (Richards et al. 2015 PMID: 25741868, with internal and published modifications).